The following is an entry in ClinVar:

NM_002016.2(FLG):c.4960G>C (p.Gly1654Arg)

Genes: CCDST (cervical cancer associated DHX9 suppressive transcript; plus strand), FLG (filaggrin; minus strand). Cytogenetic location: 1q21.3.
Variant type: single nucleotide variant.
Coding change: c.4960G>C on transcript NM_002016.2 (MANE Select); coding-DNA position 4960, G replaced by C.
Protein change: p.Gly1654Arg; replaces glycine 1654 with arginine.
Molecular consequence: missense variant.
Genome position (GRCh38, 1-based): chr1:152,309,926, C>G on the plus strand (G>C on the coding strand, the complement: FLG is on the minus strand). VCF-style: chr1-152309926-C-G. GRCh37 (hg19) VCF-style: chr1-152282402-C-G.
Other names: c.4960G>C (NM_002016.1); short protein forms G1654R.
Identifiers: ClinVar variation 1050012 (VCV001050012.2), dbSNP rs1652272332, ClinGen allele CA342070174.

ClinVar aggregate classification (germline): Uncertain significance. Review status: criteria provided, single submitter (1 of 4 stars). 2 submissions from 2 submitters: Uncertain significance (1). 1 of the submissions does not count toward it. Last evaluated 2026-03-11.

Conditions:
Inborn genetic diseases. Identifiers: MedGen C0950123, MeSH D030342.

Submissions (2):

Ambry Genetics
Classification: Uncertain significance for Inborn genetic diseases. Last evaluated: 2026-03-11. Review status: criteria provided, single submitter. Criteria: Ambry Variant Classification Scheme 2023. Collection method: clinical testing. Allele origin: germline.

Department of Pathology and Laboratory Medicine, Sinai Health System
Classification: Uncertain significance. Review status: no assertion criteria provided. Collection method: clinical testing. Allele origin: unknown. Affected: yes. Study: The Canadian Open Genetics Repository (COGR). Not counted in ClinVar's aggregate classification.
Comment: The FLG p.Gly1654Arg variant was not identified in the literature nor was it identified in dbSNP, ClinVar, Cosmic, LOVD 3.0 or in the following control databases: the 1000 Genomes Project, the NHLBI GO Exome Sequencing Project, the Exome Aggregation Consortium (August 8th 2016), or the Genome Aggregation Database (Feb 27, 2017). The p.Gly1654 residue is conserved in mammals and computational analyses (PolyPhen-2, SIFT, AlignGVGD, BLOSUM, MutationTaster) provide inconsistent predictions regarding the impact to the protein; this information is not very predictive of pathogenicity. The variant occurs outside of the splicing consensus sequence and in silico or computational prediction software programs (SpliceSiteFinder, MaxEntScan, NNSPLICE, GeneSplicer) do not predict a difference in splicing at the variant location. In summary, based on the above information the clinical significance of this variant cannot be determined with certainty at this time. This variant is classified as a variant of uncertain significance.